The following is an entry in ClinVar:

NM_017514.5(PLXNA3):c.2478C>T (p.Asn826=)

Gene: PLXNA3 (plexin A3; plus strand). Cytogenetic location: Xq28.
Variant type: single nucleotide variant.
Coding change: c.2478C>T on transcript NM_017514.5 (MANE Select); coding-DNA position 2478, C replaced by T.
Protein change: p.Asn826=; no amino-acid change (asparagine 826 retained).
Molecular consequence: synonymous variant.
Genome position (GRCh38, 1-based): chrX:154,465,793, C>T. VCF-style: chrX-154465793-C-T. GRCh37 (hg19) VCF-style: chrX-153694136-C-T.
Identifiers: ClinVar variation 4979824 (VCV004979824.1).

ClinVar aggregate classification (germline): Likely benign (1 of 4 stars; one submission).

Conditions:
PLXNA3-related disorder. Also called: PLXNA3-related condition.

gnomAD v4.1: 17 of 1,206,828 alleles (0.0014%); highest among the groups gnomAD compares: Non-Finnish European, 0.0018%; no homozygotes.

Submission:

PreventionGenetics, part of Exact Sciences
Classification: Likely benign for PLXNA3-related condition. Last evaluated: 2024-11-21. Review status: criteria provided, single submitter. Criteria: ACMG Guidelines, 2015. Collection method: clinical testing. Allele origin: germline.
Comment: This variant is classified as likely benign based on ACMG/AMP sequence variant interpretation guidelines (Richards et al. 2015 PMID: 25741868, with internal and published modifications).